The following is an entry in ClinVar:

ClinVar aggregate classification (germline): Likely pathogenic (1 of 4 stars; one submission).

Conditions:
Joubert syndrome 18 (JBTS18). Identifiers: Orphanet 2754, MedGen C3553758, MONDO:0013896, OMIM 614815.

Submission:

MGZ Medical Genetics Center
Classification: Likely pathogenic for Joubert syndrome 18. Last evaluated: 2022-05-16. Review status: criteria provided, single submitter. Criteria: ACMG Guidelines, 2015. Collection method: clinical testing. Allele origin: germline. Affected: yes. Observed: 1 variant allele.
Comment: ACMG criteria applied: PVS1, PM2_SUP

NM_015631.6(TCTN3):c.969+2T>G

Gene: TCTN3 (tectonic family member 3; minus strand). Cytogenetic location: 10q24.1.
Variant type: single nucleotide variant.
Coding change: c.969+2T>G on transcript NM_015631.6 (MANE Select); the canonical splice donor site of the intron after coding-DNA position 969, T replaced by G.
Molecular consequence: splice donor variant. On other transcripts: intron variant (2).
Genome position (GRCh38, 1-based): chr10:95,685,554, A>C on the plus strand (T>G on the coding strand, the complement: TCTN3 is on the minus strand). VCF-style: chr10-95685554-A-C. GRCh37 (hg19) VCF-style: chr10-97445311-A-C.
Other names: c.651+941T>G (NM_001143973.2); c.889-930T>G (NM_001410982.1).
Identifiers: ClinVar variation 1709396 (VCV001709396.2), dbSNP rs2492752964, ClinGen allele CA377705903.
Genomic context (GRCh38, chr10:95,685,554, plus strand): 5'-AGGCACCTCTGGCAGTGTTGATTAACACACATCAGTCCAGAATCTGAGGTCAGTATCCCT[A>C]CCTGAGAAACTACATTCTGACAAGTGTTTCCAGCCAACAGAGGAGCATTAGCCTGTGAGG-3'